The following is an entry in ClinVar:

NM_000264.5(PTCH1):c.3731A>G (p.Gln1244Arg)

Gene: PTCH1 (patched 1; minus strand). Cytogenetic location: 9q22.32.
Variant type: single nucleotide variant.
Coding change: c.3731A>G on transcript NM_000264.5 (MANE Select); coding-DNA position 3731, A replaced by G.
Protein change: p.Gln1244Arg; replaces glutamine 1244 with arginine.
Molecular consequence: missense variant. On other transcripts: non-coding transcript variant (1).
Genome position (GRCh38, 1-based): chr9:95,449,142, T>C on the plus strand (A>G on the coding strand, the complement: PTCH1 is on the minus strand). VCF-style: chr9-95449142-T-C. GRCh37 (hg19) VCF-style: chr9-98211424-T-C.
Other names: c.3533A>G, p.Gln1178Arg (NM_001083602.3); c.3728A>G, p.Gln1243Arg (NM_001083603.3); c.3278A>G, p.Gln1093Arg (NM_001083604.3, NM_001083605.3, NM_001083606.3 and 1 more transcripts); c.3575A>G, p.Gln1192Arg (NM_001354918.2); short protein forms Q1093R, Q1192R, Q1244R, Q1178R, Q1243R.
Identifiers: ClinVar variation 3939918 (VCV003939918.1).

ClinVar aggregate classification (germline): Uncertain significance (1 of 4 stars; one submission).

Conditions:
Hereditary cancer-predisposing syndrome. Also called: Tumor predisposition; Hereditary neoplastic syndrome; Hereditary Cancer Syndrome; Neoplastic Syndromes, Hereditary. Identifiers: Orphanet 140162, MedGen C0027672, MeSH D009386, MONDO:0015356.

Submission:

Ambry Genetics
Classification: Uncertain significance for Hereditary cancer-predisposing syndrome. Last evaluated: 2025-03-24. Review status: criteria provided, single submitter. Criteria: Ambry Variant Classification Scheme 2023. Collection method: clinical testing. Allele origin: germline.
Comment: The p.Q1244R variant (also known as c.3731A>G), located in coding exon 22 of the PTCH1 gene, results from an A to G substitution at nucleotide position 3731. The glutamine at codon 1244 is replaced by arginine, an amino acid with highly similar properties. This amino acid position is not well conserved in available vertebrate species. In addition, this alteration is predicted to be tolerated by in silico analysis. Based on the available evidence, the clinical significance of this variant remains unclear.